The following is an entry in ClinVar:

NM_001853.4(COL9A3):c.457C>G (p.Pro153Ala)

Gene: COL9A3 (collagen type IX alpha 3 chain; plus strand). Cytogenetic location: 20q13.33.
Variant type: single nucleotide variant.
Coding change: c.457C>G on transcript NM_001853.4 (MANE Select); coding-DNA position 457, C replaced by G.
Protein change: p.Pro153Ala; replaces proline 153 with alanine.
Molecular consequence: missense variant.
Genome position (GRCh38, 1-based): chr20:62,822,144, C>G. VCF-style: chr20-62822144-C-G. GRCh37 (hg19) VCF-style: chr20-61453496-C-G.
Other names: short protein forms P153A.
Identifiers: ClinVar variation 1495223 (VCV001495223.8), dbSNP rs779588171, ClinGen allele CA9949279.

ClinVar aggregate classification (germline): Uncertain significance (1 of 4 stars; one submission).

Allele frequency attached by ClinVar (database versions not stated): ExAC 0.00001.
gnomAD v4.1: 5 of 1,585,716 alleles (0.00032%); highest among the groups gnomAD compares: Non-Finnish European, 0.00043%; no homozygotes.

Submission:

Labcorp Genetics (formerly Invitae), Labcorp
Classification: Uncertain significance. Last evaluated: 2025-10-22. Review status: criteria provided, single submitter. Criteria: Invitae Variant Classification Sherloc (09022015). Collection method: clinical testing. Allele origin: germline.
Comment: This sequence change replaces proline, which is neutral and non-polar, with alanine, which is neutral and non-polar, at codon 153 of the COL9A3 protein (p.Pro153Ala). This variant is present in population databases (rs779588171, gnomAD 0.0009%). This variant has not been reported in the literature in individuals affected with COL9A3-related conditions. ClinVar contains an entry for this variant (Variation ID: 1495223). Invitae Evidence Modeling of protein sequence and biophysical properties (such as structural, functional, and spatial information, amino acid conservation, physicochemical variation, residue mobility, and thermodynamic stability) indicates that this missense variant is not expected to disrupt COL9A3 protein function with a negative predictive value of 95%. In summary, the available evidence is currently insufficient to determine the role of this variant in disease. Therefore, it has been classified as a Variant of Uncertain Significance.